The following is an entry in ClinVar:

NM_002439.5(MSH3):c.3000T>G (p.Asp1000Glu)

Gene: MSH3 (mutS homolog 3; plus strand). Cytogenetic location: 5q14.1.
Variant type: single nucleotide variant.
Coding change: c.3000T>G on transcript NM_002439.5 (MANE Select); coding-DNA position 3000, T replaced by G.
Protein change: p.Asp1000Glu; replaces aspartic acid 1000 with glutamic acid.
Molecular consequence: missense variant.
Genome position (GRCh38, 1-based): chr5:80,854,316, T>G. VCF-style: chr5-80854316-T-G. GRCh37 (hg19) VCF-style: chr5-80150135-T-G.
Other names: short protein forms D1000E.
Identifiers: ClinVar variation 659866 (VCV000659866.25), dbSNP rs139205893, ClinGen allele CA3328414.

ClinVar aggregate classification (germline): Conflicting classifications of pathogenicity. Review status: criteria provided, conflicting classifications (1 of 4 stars). 9 submissions from 9 submitters: Uncertain significance (7); Likely benign (1). 1 of the submissions does not count toward it. Last evaluated 2026-01-28.

Conditions:
MSH3-related disorder. Also called: MSH3-related condition.
Hereditary cancer-predisposing syndrome. Also called: Hereditary Cancer Syndrome; Hereditary neoplastic syndrome; Tumor predisposition; Neoplastic Syndromes, Hereditary. Identifiers: Orphanet 140162, MedGen C0027672, MeSH D009386, MONDO:0015356.
Endometrial carcinoma. Also called: Endometrial carcinoma, somatic. Identifiers: MedGen C0476089, MONDO:0002447, OMIM 608089, HP:0012114.
Familial adenomatous polyposis 4 (FAP4). Also called: MSH3-related attenuated familial adenomatous polyposis. Identifiers: Orphanet 480536, MedGen C4310719, MONDO:0044300, OMIM 617100.

Allele frequency attached by ClinVar (database versions not stated): gnomAD exomes 0.00003 and 0.00009; ESP Exome Variant Server 0.00015; ExAC 0.00011; gnomAD 0.00011 and 0.00010; 1000 Genomes Project 30x 0.00031; 1000 Genomes Project 0.00040; TOPMed 0.00010.
gnomAD v4.1: 71 of 1,612,572 alleles (0.0044%); highest among the groups gnomAD compares: South Asian, 0.033%; no homozygotes.

Submissions (9):

Labcorp Genetics (formerly Invitae), Labcorp
Classification: Uncertain significance. Last evaluated: 2026-01-28. Review status: criteria provided, single submitter. Criteria: Invitae Variant Classification Sherloc (09022015). Collection method: clinical testing. Allele origin: germline.
Comment: This sequence change replaces aspartic acid, which is acidic and polar, with glutamic acid, which is acidic and polar, at codon 1000 of the MSH3 protein (p.Asp1000Glu). This variant is present in population databases (rs139205893, gnomAD 0.05%). This variant has not been reported in the literature in individuals affected with MSH3-related conditions. ClinVar contains an entry for this variant (Variation ID: 659866). An algorithm developed to predict the effect of missense changes on protein structure and function outputs the following: PolyPhen-2: "Benign". The glutamic acid amino acid residue is found in multiple mammalian species, which suggests that this missense change does not adversely affect protein function. RNA analysis performed to evaluate the impact of this missense change on mRNA splicing indicates it does not significantly alter splicing (internal data). In summary, the available evidence is currently insufficient to determine the role of this variant in disease. Therefore, it has been classified as a Variant of Uncertain Significance.

GeneDx
Classification: Uncertain significance. Last evaluated: 2025-07-16. Review status: criteria provided, single submitter. Criteria: GeneDx Variant Classification Process June 2021. Collection method: clinical testing. Allele origin: germline.
Comment: In silico analysis suggests that this missense variant does not alter protein structure/function; This variant is associated with the following publications: (PMID: 28740175, 40463055)

Quest Diagnostics Nichols Institute San Juan Capistrano
Classification: Uncertain significance. Last evaluated: 2025-04-10. Review status: criteria provided, single submitter. Criteria: Quest Diagnostics criteria. Collection method: clinical testing. Allele origin: unknown.
Comment: The MSH3 c.3000T>G (p.Asp1000Glu) variant has not been reported in individuals with MSH3-related conditions in the published literature. The frequency of this variant in the general population (Genome Aggregation Database) is uninformative in the assessment of its pathogenicity. Analysis of this variant using bioinformatics tools for the prediction of the effect of amino acid changes on protein structure and function yielded predictions that this variant is benign. Based on the available information, we are unable to determine the clinical significance of this variant.

Center for Genomic Medicine, Rigshospitalet, Copenhagen University Hospital
Classification: Uncertain significance. Last evaluated: 2025-03-04. Review status: criteria provided, single submitter. Criteria: ACMG Guidelines, 2015. Collection method: clinical testing. Allele origin: germline.

Fulgent Genetics
Classification: Uncertain significance for Endometrial carcinoma; Familial adenomatous polyposis 4. Last evaluated: 2024-05-08. Review status: criteria provided, single submitter. Criteria: ACMG Guidelines, 2015. Collection method: clinical testing. Allele origin: germline.

Baylor Genetics
Classification: Uncertain significance for Endometrial carcinoma. Last evaluated: 2024-03-24. Review status: criteria provided, single submitter. Criteria: ACMG Guidelines, 2015. Collection method: clinical testing. Allele origin: unknown.

Ambry Genetics
Classification: Likely benign for Hereditary cancer-predisposing syndrome. Last evaluated: 2021-12-07. Review status: criteria provided, single submitter. Criteria: Ambry Variant Classification Scheme 2023. Collection method: clinical testing. Allele origin: germline.

Sema4
Classification: Uncertain significance for Hereditary cancer-predisposing syndrome. Last evaluated: 2021-06-16. Review status: criteria provided, single submitter. Criteria: Sema4 Curation Guidelines. Collection method: curation. Allele origin: germline.
Comment: To the best of our knowledge, the MSH3 c.3000T>G (p.D1000E) variant has not been reported in individuals with MSH3-related disease. It was observed in 12/24958 chromosomes of the African/African American subpopulation, with no homozygotes, in the large and broad cohorts of the Genome Aggregation Database. The variant has been reported in ClinVar (Variation ID 659866). In silico tools suggest the impact of the variant on protein function is inconclusive, though these predictions have not been confirmed by functional studies. The evidence is insufficient to meet ACMG/AMP criteria for classifying the variant as benign or pathogenic. Thus, the clinical significance of this variant is currently uncertain.

PreventionGenetics, part of Exact Sciences
Classification: Likely benign for MSH3-related condition. Last evaluated: 2024-02-22. Review status: no assertion criteria provided. Collection method: clinical testing. Allele origin: germline. Not counted in ClinVar's aggregate classification.
Comment: This variant is classified as likely benign based on ACMG/AMP sequence variant interpretation guidelines (Richards et al. 2015 PMID: 25741868, with internal and published modifications).